The following is an entry in ClinVar:

ClinVar aggregate classification (germline): Likely benign (1 of 4 stars; one submission).

Submission:

CeGaT Center for Human Genetics Tuebingen
Classification: Likely benign. Last evaluated: 2025-05-01. Review status: criteria provided, single submitter. Criteria: CeGaT Center For Human Genetics Tuebingen Variant Classification Criteria Version 2. Collection method: clinical testing. Allele origin: germline. Affected: yes. Observed: 1 variant allele.
Comment: TERF2IP: PM2:Supporting, BP4, BP7

NC_000016.10:g.75760921A>G

Gene: TERF2IP (TERF2 interacting protein; plus strand). Cytogenetic location: 16q23.1.
Variant type: single nucleotide variant.
Genome position: GRCh38 VCF-style: chr16-75760921-A-G. GRCh37 (hg19) VCF-style: chr16-75794819-A-G.
Identifiers: ClinVar variation 3905108 (VCV003905108.10).